The following is an entry in ClinVar:

ClinVar aggregate classification (germline): Uncertain significance (1 of 4 stars; one submission).

Conditions:
Inborn genetic diseases. Identifiers: MedGen C0950123, MeSH D030342.

Submission:

Ambry Genetics
Classification: Uncertain significance for Inborn genetic diseases. Last evaluated: 2026-03-13. Review status: criteria provided, single submitter. Criteria: Ambry Variant Classification Scheme 2023. Collection method: clinical testing. Allele origin: germline.
Comment: The c.392-3C>G intronic alteration results from a C to G substitution 3 nucleotides before exon 7 (coding exon 5) of the PRMT7 gene. This variant was not reported in population-based cohorts in the Genome Aggregation Database (gnomAD). This nucleotide position is not well conserved in available vertebrate species. In silico splice site analysis predicts that this alteration will weaken the native splice acceptor site. Based on insufficient or conflicting evidence, the clinical significance of this alteration remains unclear.

NM_019023.5(PRMT7):c.392-3C>G

Gene: PRMT7 (protein arginine methyltransferase 7; plus strand). Cytogenetic location: 16q22.1.
Variant type: single nucleotide variant.
Coding change: c.392-3C>G on transcript NM_019023.5 (MANE Select); 3 bases into the intron before coding-DNA position 392, C replaced by G.
Molecular consequence: intron variant.
Genome position (GRCh38, 1-based): chr16:68,337,456, C>G. VCF-style: chr16-68337456-C-G. GRCh37 (hg19) VCF-style: chr16-68371359-C-G.
Other names: c.155-3C>G (NM_001378022.1, NM_001378021.1, NM_001378023.1); c.392-3C>G (NM_001351143.3, NM_001351144.3, NM_001378018.1 and 1 more transcripts); c.242-3C>G (NM_001184824.4); c.185-3C>G (NM_001378020.1).
Identifiers: ClinVar variation 4144677 (VCV004144677.2).
Genomic context (GRCh38, chr16:68,337,456, plus strand): 5'-TTGCTGTAAATATTTTTCCTAGTCTGTTGCTTATGTCCAACTCTGTTTTCTTGTGTTTTT[C>G]AGAGGGTGACATGCCATGCCGTGCCAACATCCTGGTCACAGAGTTGTTTGACACAGAGCT-3'